The following is an entry in ClinVar:

ClinVar aggregate classification (germline): Uncertain significance. Review status: criteria provided, multiple submitters, no conflicts (2 of 4 stars). 4 submissions from 4 submitters: Uncertain significance (4). Last evaluated 2024-12-27.

Conditions:
Inborn genetic diseases. Identifiers: MedGen C0950123, MeSH D030342.
Glycogen storage disease, type VI (GSD6). Also called: Glycogen storage disease type 6; Hepatic glycogen phosphorylase deficiency; Glycogen storage disease type 6, due to phosphorylation; GSD VI; HERS DISEASE; PHOSPHORYLASE DEFICIENCY GLYCOGEN-STORAGE DISEASE OF LIVER. Identifiers: Orphanet 369, MedGen C0017925, MONDO:0009294, OMIM 232700.

Allele frequency attached by ClinVar (database versions not stated): gnomAD exomes 0.00002 and 0.00003; ExAC 0.00006; ESP Exome Variant Server 0.00008; gnomAD 0.00009 and 0.00011; TOPMed 0.00009; 1000 Genomes Project 30x 0.00016; 1000 Genomes Project 0.00020.
gnomAD v4.1: 56 of 1,612,002 alleles (0.0035%); highest among the groups gnomAD compares: Middle Eastern, 0.083%; 1 homozygote.

Submissions (4):

Mayo Clinic Laboratories, Mayo Clinic
Classification: Uncertain significance. Last evaluated: 2024-12-27. Review status: criteria provided, single submitter. Criteria: ACMG Guidelines, 2015. Collection method: clinical testing. Allele origin: germline. Observed: 3 variant alleles.
Comment: BP4, PM2_supporting

Labcorp Genetics (formerly Invitae), Labcorp
Classification: Uncertain significance for Glycogen storage disease, type VI. Last evaluated: 2022-10-25. Review status: criteria provided, single submitter. Criteria: Invitae Variant Classification Sherloc (09022015). Collection method: clinical testing. Allele origin: germline.
Comment: In summary, the available evidence is currently insufficient to determine the role of this variant in disease. Therefore, it has been classified as a Variant of Uncertain Significance. Advanced modeling of protein sequence and biophysical properties (such as structural, functional, and spatial information, amino acid conservation, physicochemical variation, residue mobility, and thermodynamic stability) performed at Invitae indicates that this missense variant is not expected to disrupt PYGL protein function. ClinVar contains an entry for this variant (Variation ID: 1038832). This variant has not been reported in the literature in individuals affected with PYGL-related conditions. This variant is present in population databases (rs147863207, gnomAD 0.02%). This sequence change replaces asparagine, which is neutral and polar, with isoleucine, which is neutral and non-polar, at codon 847 of the PYGL protein (p.Asn847Ile).

Ambry Genetics
Classification: Uncertain significance for Inborn genetic diseases. Last evaluated: 2021-09-27. Review status: criteria provided, single submitter. Criteria: Ambry Variant Classification Scheme 2023. Collection method: clinical testing. Allele origin: germline.

Fulgent Genetics
Classification: Uncertain significance for Glycogen storage disease, type VI. Last evaluated: 2021-07-03. Review status: criteria provided, single submitter. Criteria: ACMG Guidelines, 2015. Collection method: clinical testing. Allele origin: unknown.

NM_002863.5(PYGL):c.2540A>T (p.Asn847Ile)

Gene: PYGL (glycogen phosphorylase L; minus strand). Cytogenetic location: 14q22.1.
Variant type: single nucleotide variant.
Coding change: c.2540A>T on transcript NM_002863.5 (MANE Select); coding-DNA position 2540, A replaced by T.
Protein change: p.Asn847Ile; replaces asparagine 847 with isoleucine.
Molecular consequence: missense variant.
Genome position (GRCh38, 1-based): chr14:50,905,396, T>A on the plus strand (A>T on the coding strand, the complement: PYGL is on the minus strand). VCF-style: chr14-50905396-T-A. GRCh37 (hg19) VCF-style: chr14-51372114-T-A.
Other names: p.Asn847Ile; c.2438A>T, p.Asn813Ile (NM_001163940.2); c.2540A>T (NM_002863.4); short protein forms N847I, N813I.
Identifiers: ClinVar variation 1038832 (VCV001038832.13), dbSNP rs147863207, ClinGen allele CA7183085.